The following is an entry in ClinVar:

NM_020312.4(COQ9):c.101C>T (p.Pro34Leu)

Gene: COQ9 (coenzyme Q9; plus strand). Cytogenetic location: 16q21.
Variant type: single nucleotide variant.
Coding change: c.101C>T on transcript NM_020312.4 (MANE Select); coding-DNA position 101, C replaced by T.
Protein change: p.Pro34Leu; replaces proline 34 with leucine.
Molecular consequence: missense variant.
Genome position (GRCh38, 1-based): chr16:57,451,067, C>T. VCF-style: chr16-57451067-C-T. GRCh37 (hg19) VCF-style: chr16-57484979-C-T.
Other names: short protein forms P34L.
Identifiers: ClinVar variation 1384822 (VCV001384822.6), dbSNP rs775476569, ClinGen allele CA8076094.

ClinVar aggregate classification (germline): Uncertain significance (1 of 4 stars; one submission).

Allele frequency attached by ClinVar (database versions not stated): ExAC 0.00002; gnomAD 0.00002; TOPMed 0.00002.
gnomAD v4.1: 54 of 1,614,010 alleles (0.0033%); highest among the groups gnomAD compares: Non-Finnish European, 0.0039%; no homozygotes.

Submission:

Labcorp Genetics (formerly Invitae), Labcorp
Classification: Uncertain significance. Last evaluated: 2022-12-06. Review status: criteria provided, single submitter. Criteria: Invitae Variant Classification Sherloc (09022015). Collection method: clinical testing. Allele origin: germline.
Comment: This variant has not been reported in the literature in individuals affected with COQ9-related conditions. In summary, the available evidence is currently insufficient to determine the role of this variant in disease. Therefore, it has been classified as a Variant of Uncertain Significance. Algorithms developed to predict the effect of missense changes on protein structure and function are either unavailable or do not agree on the potential impact of this missense change (SIFT: "Deleterious"; PolyPhen-2: "Benign"; Align-GVGD: "Class C0"). ClinVar contains an entry for this variant (Variation ID: 1384822). This variant is present in population databases (rs775476569, gnomAD 0.004%). This sequence change replaces proline, which is neutral and non-polar, with leucine, which is neutral and non-polar, at codon 34 of the COQ9 protein (p.Pro34Leu).